The following is an entry in ClinVar:

ClinVar aggregate classification (germline): Uncertain significance. Review status: criteria provided, multiple submitters, no conflicts (2 of 4 stars). 2 submissions from 2 submitters: Uncertain significance (2). Last evaluated 2024-03-07.

Conditions:
Primary ciliary dyskinesia. Also called: Ciliary dyskinesia. Identifiers: Orphanet 244, MedGen C0008780, MONDO:0016575, HP:0012265.

Allele frequency attached by ClinVar (database versions not stated): gnomAD 0.00001; TOPMed 0.00001.

Submissions (2):

Labcorp Genetics (formerly Invitae), Labcorp
Classification: Uncertain significance for Primary ciliary dyskinesia. Last evaluated: 2024-03-07. Review status: criteria provided, single submitter. Criteria: Invitae Variant Classification Sherloc (09022015). Collection method: clinical testing. Allele origin: germline.
Comment: This sequence change replaces glycine, which is neutral and non-polar, with aspartic acid, which is acidic and polar, at codon 3055 of the DNAH8 protein (p.Gly3055Asp). This variant is not present in population databases (gnomAD no frequency). This variant has not been reported in the literature in individuals affected with DNAH8-related conditions. Advanced modeling of protein sequence and biophysical properties (such as structural, functional, and spatial information, amino acid conservation, physicochemical variation, residue mobility, and thermodynamic stability) performed at Invitae indicates that this missense variant is not expected to disrupt DNAH8 protein function with a negative predictive value of 80%. In summary, the available evidence is currently insufficient to determine the role of this variant in disease. Therefore, it has been classified as a Variant of Uncertain Significance.

Ambry Genetics
Classification: Uncertain significance. Last evaluated: 2023-12-18. Review status: criteria provided, single submitter. Criteria: Ambry Variant Classification Scheme 2023. Collection method: clinical testing. Allele origin: germline.

NM_001206927.2(DNAH8):c.9164G>A (p.Gly3055Asp)

Gene: DNAH8 (dynein axonemal heavy chain 8; plus strand). Cytogenetic location: 6p21.2.
Variant type: single nucleotide variant.
Coding change: c.9164G>A on transcript NM_001206927.2 (MANE Select); coding-DNA position 9164, G replaced by A.
Protein change: p.Gly3055Asp; replaces glycine 3055 with aspartic acid.
Molecular consequence: missense variant.
Genome position (GRCh38, 1-based): chr6:38,899,876, G>A. VCF-style: chr6-38899876-G-A. GRCh37 (hg19) VCF-style: chr6-38867652-G-A.
Other names: c.8513G>A, p.Gly2838Asp (NM_001371.4); short protein forms G3055D, G2838D.
Identifiers: ClinVar variation 3084191 (VCV003084191.2), dbSNP rs753516152, ClinGen allele CA364000143.
Genomic context (GRCh38, chr6:38,899,876, plus strand): 5'-TGGTGGGTGTTGGTGGTTCCGGAAAACAAAGTCTTTCAAGATTGGCCTCTTTTATTGCTG[G>A]CTATCAAATATTCCAGATAACATTAACCAGGTAGGATGAAATAAAACACAATATGTTTTT-3'
Protein context (NP_001193856.1, residues 3045-3065): SLSRLASFIA[Gly3055Asp]YQIFQITLTR